The following is an entry in ClinVar:

NM_001134831.2(AHI1):c.11-1G>C

Gene: AHI1 (Abelson helper integration site 1; minus strand). Cytogenetic location: 6q23.3.
Variant type: single nucleotide variant.
Coding change: c.11-1G>C on transcript NM_001134831.2 (MANE Select); the canonical splice acceptor site of the intron before coding-DNA position 11, G replaced by C.
Molecular consequence: splice acceptor variant.
Genome position (GRCh38, 1-based): chr6:135,490,748, C>G on the plus strand (G>C on the coding strand, the complement: AHI1 is on the minus strand). VCF-style: chr6-135490748-C-G. GRCh37 (hg19) VCF-style: chr6-135811886-C-G.
Other names: c.11-1G>C (NM_001134830.2, NM_001350503.2, NM_017651.5 and 2 more transcripts).
Identifiers: ClinVar variation 2785812 (VCV002785812.3), dbSNP rs2485337123, ClinGen allele CA365741453.
Genomic context (GRCh38, chr6:135,490,748, plus strand): 5'-TGTGGGTCTTAAGCAATTCTTCAAAGCGAACTTTGGTTTTTACTTTTGCTTCACTCTCAG[C>G]TACAAAAGATACAGCCATGTGATTTTGTAAATGACTCTATCATAACACACAACCTACACT-3'

ClinVar aggregate classification (germline): Likely pathogenic (1 of 4 stars; one submission).

Conditions:
Joubert syndrome. Also called: CEREBELLOPARENCHYMAL DISORDER IV; JOUBERT-BOLTSHAUSER SYNDROME; Familial aplasia of the vermis. Identifiers: Orphanet 475, MedGen C5979921, MONDO:0018772.

Submission:

Labcorp Genetics (formerly Invitae), Labcorp
Classification: Likely pathogenic for Joubert syndrome. Last evaluated: 2023-12-09. Review status: criteria provided, single submitter. Criteria: Invitae Variant Classification Sherloc (09022015). Collection method: clinical testing. Allele origin: germline.
Comment: This sequence change affects an acceptor splice site in intron 3 of the AHI1 gene. It is expected to disrupt RNA splicing. Variants that disrupt the donor or acceptor splice site typically lead to a loss of protein function (PMID: 16199547), and loss-of-function variants in AHI1 are known to be pathogenic (PMID: 15322546, 16453322, 28442542, 29186038). This variant is not present in population databases (gnomAD no frequency). This variant has not been reported in the literature in individuals affected with AHI1-related conditions. Algorithms developed to predict the effect of sequence changes on RNA splicing suggest that this variant may disrupt the consensus splice site. In summary, the currently available evidence indicates that the variant is pathogenic, but additional data are needed to prove that conclusively. Therefore, this variant has been classified as Likely Pathogenic.

Literature cited by the submitters: PubMed 16199547; PubMed 15322546; PubMed 16453322; PubMed 28442542; PubMed 29186038.